The following is an entry in ClinVar:

NM_001353694.2(TIAM1):c.4431T>C (p.Gly1477=)

Gene: TIAM1 (TIAM Rac1 associated GEF 1; minus strand). Cytogenetic location: 21q22.11.
Variant type: single nucleotide variant.
Coding change: c.4431T>C on transcript NM_001353694.2 (MANE Select); coding-DNA position 4431, T replaced by C.
Protein change: p.Gly1477=; no amino-acid change (glycine 1477 retained).
Molecular consequence: synonymous variant.
Genome position (GRCh38, 1-based): chr21:31,120,713, A>G on the plus strand (T>C on the coding strand, the complement: TIAM1 is on the minus strand). VCF-style: chr21-31120713-A-G. GRCh37 (hg19) VCF-style: chr21-32493031-A-G.
Other names: c.1530T>C, p.Gly510= (NM_001353684.2); c.1455T>C, p.Gly485= (NM_001353685.2); c.4356T>C, p.Gly1452= (NM_001353686.2, NM_001353687.2); c.4431T>C, p.Gly1477= (NM_001353688.1, NM_001353689.1, NM_001353690.1 and 4 more transcripts).
Identifiers: ClinVar variation 3059045 (VCV003059045.2), dbSNP rs762194, ClinGen allele CA9997474.

ClinVar aggregate classification (germline): Benign (0 of 4 stars; one submission).

Conditions:
TIAM1-related disorder. Also called: TIAM1-related condition.

Allele frequency attached by ClinVar (database versions not stated): gnomAD exomes 0.47847; ESP Exome Variant Server 0.47962; ExAC 0.50328; gnomAD 0.50344; TOPMed 0.51429; 1000 Genomes Project 30x 0.53357; 1000 Genomes Project 0.53534.
gnomAD v4.1: 775,951 of 1,613,596 alleles (48%); highest among the groups gnomAD compares: East Asian, 74%; 190,849 homozygotes.

Submission:

PreventionGenetics, part of Exact Sciences
Classification: Benign for TIAM1-related condition. Last evaluated: 2023-06-20. Review status: no assertion criteria provided. Collection method: clinical testing. Allele origin: germline.
Comment: This variant is classified as benign based on ACMG/AMP sequence variant interpretation guidelines (Richards et al. 2015 PMID: 25741868, with internal and published modifications).